The following is an entry in ClinVar:

NM_002519.3(NPAT):c.2410G>C (p.Val804Leu)

Gene: NPAT (nuclear protein, coactivator of histone transcription; minus strand). Cytogenetic location: 11q22.3.
Variant type: single nucleotide variant.
Coding change: c.2410G>C on transcript NM_002519.3 (MANE Select); coding-DNA position 2410, G replaced by C.
Protein change: p.Val804Leu; replaces valine 804 with leucine.
Molecular consequence: missense variant.
Genome position (GRCh38, 1-based): chr11:108,172,574, C>G on the plus strand (G>C on the coding strand, the complement: NPAT is on the minus strand). VCF-style: chr11-108172574-C-G. GRCh37 (hg19) VCF-style: chr11-108043301-C-G.
Other names: c.2410G>C, p.Val804Leu (NM_001321307.1); short protein forms V804L.
Identifiers: ClinVar variation 2562543 (VCV002562543.2), dbSNP rs767348134, ClinGen allele CA6263819.

ClinVar aggregate classification (germline): Uncertain significance (1 of 4 stars; one submission).

Allele frequency attached by ClinVar (database versions not stated): ExAC 0.00001; gnomAD exomes 0.00001.
gnomAD v4.1: 3 of 1,614,188 alleles (0.00019%); highest among the groups gnomAD compares: Admixed American, 0.005%; no homozygotes.

Submission:

Ambry Genetics
Classification: Uncertain significance. Last evaluated: 2023-05-15. Review status: criteria provided, single submitter. Criteria: Ambry Variant Classification Scheme 2023. Collection method: clinical testing. Allele origin: germline.
Comment: The p.V804L variant (also known as c.2410G>C), located in coding exon 13 of the NPAT gene, results from a G to C substitution at nucleotide position 2410. The valine at codon 804 is replaced by leucine, an amino acid with highly similar properties. This amino acid position is conserved. In addition, this alteration is predicted to be tolerated by in silico analysis. Since supporting evidence is limited at this time, the clinical significance of this alteration remains unclear.